The following is an entry in ClinVar:

NM_032638.5(GATA2):c.530C>T (p.Pro177Leu)

Gene: GATA2 (GATA binding protein 2; minus strand). Cytogenetic location: 3q21.3.
Variant type: single nucleotide variant.
Coding change: c.530C>T on transcript NM_032638.5 (MANE Select); coding-DNA position 530, C replaced by T.
Protein change: p.Pro177Leu; replaces proline 177 with leucine.
Molecular consequence: missense variant.
Genome position (GRCh38, 1-based): chr3:128,486,068, G>A on the plus strand (C>T on the coding strand, the complement: GATA2 is on the minus strand). VCF-style: chr3-128486068-G-A. GRCh37 (hg19) VCF-style: chr3-128204911-G-A.
Other names: c.530C>T, p.Pro177Leu (NM_001145661.2, NM_001145662.1); short protein forms P177L.
Identifiers: ClinVar variation 5022204 (VCV005022204.1).

ClinVar aggregate classification (germline): Uncertain significance (1 of 4 stars; one submission).

Conditions:
Inborn genetic diseases. Identifiers: MedGen C0950123, MeSH D030342.

Submission:

Ambry Genetics
Classification: Uncertain significance for Inborn genetic diseases. Last evaluated: 2026-07-07. Review status: criteria provided, single submitter. Criteria: Ambry Variant Classification Scheme 2023. Collection method: clinical testing. Allele origin: germline.
Comment: The p.P177L variant (also known as c.530C>T), located in coding exon 2 of the GATA2 gene, results from a C to T substitution at nucleotide position 530. The proline at codon 177 is replaced by leucine, an amino acid with similar properties. This amino acid position is conserved. In addition, this alteration is predicted to be deleterious by in silico analysis. Based on the available evidence, the clinical significance of this variant remains unclear.